The following is an entry in ClinVar:

ClinVar aggregate classification (germline): Uncertain significance. Review status: criteria provided, multiple submitters, no conflicts (2 of 4 stars). 3 submissions from 3 submitters: Uncertain significance (3). Last evaluated 2024-08-13.

Conditions:
Arrhythmogenic right ventricular dysplasia 8 (ARVD8). Also called: ARRHYTHMOGENIC RIGHT VENTRICULAR CARDIOMYOPATHY 8; Arrhythmogenic Right Ventricular Dysplasia/Cardiomyopathy 8; ARRHYTHMOGENIC RIGHT VENTRICULAR DYSPLASIA, FAMILIAL, 8. Identifiers: MedGen C1843896, MONDO:0011831, OMIM 607450.
Arrhythmogenic cardiomyopathy with wooly hair and keratoderma. Also called: Arrhythmogenic cardiomyopathy with woolly hair and keratoderma; PALMOPLANTAR KERATODERMA WITH LEFT VENTRICULAR CARDIOMYOPATHY AND WOOLLY HAIR; Carvajal syndrome; Dilated cardiomyopathy with woolly hair and keratoderma. Identifiers: Orphanet 65282, MedGen C1854063, MONDO:0011581, OMIM 605676.

Submissions (3):

All of Us Research Program, National Institutes of Health
Classification: Uncertain significance for Arrhythmogenic cardiomyopathy with wooly hair and keratoderma. Last evaluated: 2024-08-13. Review status: criteria provided, single submitter. Criteria: ACMG Guidelines, 2015. Collection method: clinical testing. Allele origin: germline. Inheritance: Autosomal dominant inheritance. Observed: 1 variant allele, 1 heterozygote.
Comment: This variant results in an in-frame deletion of 8 amino acids in the DSP protein. To our knowledge, functional studies have not been reported for this variant. This variant has not been reported in individuals affected with DSP-related disorders in the literature. This variant has not been identified in the general population by the Genome Aggregation Database (gnomAD). The available evidence is insufficient to determine the role of this variant in disease conclusively. Therefore, this variant is classified as a Variant of Uncertain Significance.

This study involves interpretation of variants in research participants for the purpose of population health screening. Participant phenotype was not available at the time of variant classification. Additional details can be found in publication PMID: 35346344, PMCID: PMC8962531

Labcorp Genetics (formerly Invitae), Labcorp
Classification: Uncertain significance for Arrhythmogenic cardiomyopathy with wooly hair and keratoderma; Arrhythmogenic right ventricular dysplasia 8. Last evaluated: 2023-10-06. Review status: criteria provided, single submitter. Criteria: Invitae Variant Classification Sherloc (09022015). Collection method: clinical testing. Allele origin: germline.
Comment: This variant, c.8493_8516del, results in the deletion of 8 amino acid(s) of the DSP protein (p.Ser2839_Arg2846del), but otherwise preserves the integrity of the reading frame. This variant is not present in population databases (gnomAD no frequency). This variant has not been reported in the literature in individuals affected with DSP-related conditions. ClinVar contains an entry for this variant (Variation ID: 496251). In summary, the available evidence is currently insufficient to determine the role of this variant in disease. Therefore, it has been classified as a Variant of Uncertain Significance.

Women's Health and Genetics/Laboratory Corporation of America, LabCorp
Classification: Uncertain significance. Last evaluated: 2017-05-17. Review status: criteria provided, single submitter. Criteria: LabCorp Variant Classification Summary - May 2015. Collection method: clinical testing. Allele origin: germline.
Comment: Variant summary: The c.8493_8516delGGGATCTCGCTCCGGATCTCGCTC (p.Gly2832_Ser2839del) in DSP gene leads to an in-frame deletion of 8 amino acids from the repeat region that is located outside of any known functional domain. The variant is absent from the control population dataset of ExAC but was identified once in the gnomAD dataset (0.000004; 1/243970). The variant of interest has not, to our knowledge, been reported in affected individuals via publications or cited by a reputable database/clinical laboratory. Shorter in-frame deletions within this repeated region have been reported in at least two DCM patients as well is in ostensibly healthy individuals from published reports and ExAC/gnomAD datasets, although the clinical significance of these variants in pathogenesis of the DCM/ARVD remains uncertained. Taking together, the variant was classified as VUS until more information becomes available.

NM_004415.4(DSP):c.8493_8516del (p.2827_2830SGSR[3])

Gene: DSP (desmoplakin; plus strand). Cytogenetic location: 6p24.3.
Variant type: Deletion.
Coding change: c.8493_8516del on transcript NM_004415.4 (MANE Select); coding-DNA positions 8493 to 8516, 24 bases deleted (GGGATCTCGCTCCGGATCTCGCTC).
Protein change: p.2827_2830SGSR[3].
Molecular consequence: inframe deletion.
Genome position (GRCh38, 1-based): chr6:7,585,755-7,585,778, GGGATCTCGCTCCGGATCTCGCTC deleted; deleting any 24 consecutive bases within chr6:7,585,750-7,585,778 gives the same sequence; the c. name uses the placement nearest the transcript's 3' end. VCF-style (leftmost placement, unchanged base first): chr6-7585749-CCGCTCGGGATCTCGCTCCGGATCT-C. GRCh37 (hg19) VCF-style: chr6-7585982-CCGCTCGGGATCTCGCTCCGGATCT-C.
Other names: c.8493_8516del (LRG_423t1); c.6696_6719del, p.2228_2231SGSR[3] (NM_001008844.3); c.7164_7187del, p.2384_2387SGSR[3] (NM_001319034.2); c.8493_8516delGGGATCTCGCTCCGGATCTCGCTC (NM_004415.2).
Identifiers: ClinVar variation 496251 (VCV000496251.7), dbSNP rs1554109280, ClinGen allele CA658683438.